The following is an entry in ClinVar:

NM_152641.4(ARID2):c.1648C>G (p.Leu550Val)

Gene: ARID2 (AT-rich interaction domain 2; plus strand). Cytogenetic location: 12q12.
Variant type: single nucleotide variant.
Coding change: c.1648C>G on transcript NM_152641.4 (MANE Select); coding-DNA position 1648, C replaced by G.
Protein change: p.Leu550Val; replaces leucine 550 with valine.
Molecular consequence: missense variant.
Genome position (GRCh38, 1-based): chr12:45,848,903, C>G. VCF-style: chr12-45848903-C-G. GRCh37 (hg19) VCF-style: chr12-46242686-C-G.
Other names: c.1648C>G, p.Leu550Val (NM_001347839.2); short protein forms L550V.
Identifiers: ClinVar variation 1064561 (VCV001064561.1), dbSNP rs771945901, ClinGen allele CA6526182.

ClinVar aggregate classification (germline): Uncertain significance (1 of 4 stars; one submission).

Conditions:
Coffin-Siris syndrome 6. Identifiers: MedGen C4540499, MONDO:0033492, OMIM 617808.

Allele frequency attached by ClinVar (database versions not stated): gnomAD exomes below 0.00001 and 0.00001; ExAC 0.00001; gnomAD 0.00001 and 0.00003; TOPMed 0.00003.
gnomAD v4.1: 15 of 1,612,088 alleles (0.00093%); highest among the groups gnomAD compares: Non-Finnish European, 0.0013%; no homozygotes.

Submission:

UNC Molecular Genetics  Laboratory, University of North Carolina at Chapel Hill
Classification: Uncertain significance for Coffin-Siris syndrome 6. Last evaluated: 2020-05-01. Review status: criteria provided, single submitter. Criteria: ACMG Guidelines, 2015. Collection method: research. Allele origin: germline. Observed: 1 variant allele. Study: CSER_NCGENES.
Comment: The ARID2 c.1648C>G (p.Leu550Val) is a missense variant that changes a single amino acid from a leucine to a valine in the encoded protein. This variant is seen in 2 individuals of European descent (0.002%) in gnomAD. This variant has not been previously reported in the literature for Coffin-Siris syndrome. This variant has conflicting predictions of pathogenicity by in silico tools and therefore its effect on protein function is unknown. This variant is considered a variant of uncertain clinical significance.